The following is an entry in ClinVar:

ClinVar aggregate classification (germline): Uncertain significance (1 of 4 stars; one submission).

Submission:

Labcorp Genetics (formerly Invitae), Labcorp
Classification: Uncertain significance. Last evaluated: 2021-11-30. Review status: criteria provided, single submitter. Criteria: Invitae Variant Classification Sherloc (09022015). Collection method: clinical testing. Allele origin: germline.
Comment: In summary, the available evidence is currently insufficient to determine the role of this variant in disease. Therefore, it has been classified as a Variant of Uncertain Significance. Algorithms developed to predict the effect of missense changes on protein structure and function (SIFT, PolyPhen-2, Align-GVGD) all suggest that this variant is likely to be tolerated. This variant has not been reported in the literature in individuals affected with TEAD1-related conditions. This variant is not present in population databases (gnomAD no frequency). This sequence change replaces glutamic acid, which is acidic and polar, with glycine, which is neutral and non-polar, at codon 14 of the TEAD1 protein (p.Glu14Gly).

NM_021961.6(TEAD1):c.41A>G (p.Glu14Gly)

Gene: TEAD1 (TEA domain transcription factor 1; plus strand). Cytogenetic location: 11p15.3.
Variant type: single nucleotide variant.
Coding change: c.41A>G on transcript NM_021961.6 (MANE Select); coding-DNA position 41, A replaced by G.
Protein change: p.Glu14Gly; replaces glutamic acid 14 with glycine.
Molecular consequence: missense variant.
Genome position (GRCh38, 1-based): chr11:12,764,273, A>G. VCF-style: chr11-12764273-A-G. GRCh37 (hg19) VCF-style: chr11-12785820-A-G.
Other names: short protein forms E14G.
Identifiers: ClinVar variation 1491803 (VCV001491803.6), dbSNP rs2133925777, ClinGen allele CA379855475.